The following is an entry in ClinVar:

ClinVar aggregate classification (germline): Uncertain significance (1 of 4 stars; one submission).

Allele frequency attached by ClinVar (database versions not stated): gnomAD exomes below 0.00001.
gnomAD v4.1: 1 of 1,535,806 alleles (0.000065%); highest among the groups gnomAD compares: Non-Finnish European, 0.000087%; no homozygotes.

Submission:

Labcorp Genetics (formerly Invitae), Labcorp
Classification: Uncertain significance. Last evaluated: 2022-06-13. Review status: criteria provided, single submitter. Criteria: Invitae Variant Classification Sherloc (09022015). Collection method: clinical testing. Allele origin: germline.
Comment: The C2CD3 gene has multiple clinically relevant transcripts. This variant occurs in alternate transcript NM_001286577.1, and corresponds to NM_015531.5:c.*341A>T in the primary transcript. This sequence change replaces aspartic acid, which is acidic and polar, with valine, which is neutral and non-polar, at codon 1968 of the C2CD3 protein (p.Asp1968Val). This variant is not present in population databases (gnomAD no frequency). This variant has not been reported in the literature in individuals affected with C2CD3-related conditions. Experimental studies and prediction algorithms are not available or were not evaluated, and the functional significance of this variant is currently unknown. In summary, the available evidence is currently insufficient to determine the role of this variant in disease. Therefore, it has been classified as a Variant of Uncertain Significance.

NM_001286577.2(C2CD3):c.5903A>T (p.Asp1968Val)

Gene: C2CD3 (C2 domain containing 3 centriole elongation regulator; minus strand). Cytogenetic location: 11q13.4.
Variant type: single nucleotide variant.
Coding change: c.5903A>T on transcript NM_001286577.2 (MANE Select); coding-DNA position 5903, A replaced by T.
Protein change: p.Asp1968Val; replaces aspartic acid 1968 with valine.
Molecular consequence: missense variant.
Genome position (GRCh38, 1-based): chr11:74,034,257, T>A on the plus strand (A>T on the coding strand, the complement: C2CD3 is on the minus strand). VCF-style: chr11-74034257-T-A. GRCh37 (hg19) VCF-style: chr11-73745302-T-A.
Other names: short protein forms D1968V.
Identifiers: ClinVar variation 1351169 (VCV001351169.6), dbSNP rs981438992, ClinGen allele CA224505831.